The following is an entry in ClinVar:

ClinVar aggregate classification (germline): Uncertain significance (1 of 4 stars; one submission).

Conditions:
Fanconi anemia (FA). Also called: Fanconi's anemia. Identifiers: Orphanet 84, MedGen C0015625, MeSH D005199, MONDO:0019391.

Submission:

Labcorp Genetics (formerly Invitae), Labcorp
Classification: Uncertain significance for Fanconi anemia. Last evaluated: 2022-05-06. Review status: criteria provided, single submitter. Criteria: Invitae Variant Classification Sherloc (09022015). Collection method: clinical testing. Allele origin: germline.
Comment: This variant has not been reported in the literature in individuals affected with FANCM-related conditions. In summary, the available evidence is currently insufficient to determine the role of this variant in disease. Therefore, it has been classified as a Variant of Uncertain Significance. Algorithms developed to predict the effect of sequence changes on RNA splicing suggest that this variant may disrupt the consensus splice site. This variant is not present in population databases (gnomAD no frequency). This sequence change falls in intron 7 of the FANCM gene. It does not directly change the encoded amino acid sequence of the FANCM protein.

NM_020937.4(FANCM):c.1310-13T>A

Gene: FANCM (FA complementation group M; plus strand). Cytogenetic location: 14q21.2.
Variant type: single nucleotide variant.
Coding change: c.1310-13T>A on transcript NM_020937.4 (MANE Select); 13 bases into the intron before coding-DNA position 1310, T replaced by A.
Molecular consequence: intron variant.
Genome position (GRCh38, 1-based): chr14:45,155,360, T>A. VCF-style: chr14-45155360-T-A. GRCh37 (hg19) VCF-style: chr14-45624563-T-A.
Other names: c.1232-13T>A (NM_001308133.2); c.1310-13T>A (NM_001308134.2).
Identifiers: ClinVar variation 1514488 (VCV001514488.6), dbSNP rs749995672, ClinGen allele CA2573149943.